The following is an entry in ClinVar:

NM_002055.5(GFAP):c.899G>A (p.Arg300His)

Gene: GFAP (glial fibrillary acidic protein; minus strand). Cytogenetic location: 17q21.31.
Variant type: single nucleotide variant.
Coding change: c.899G>A on transcript NM_002055.5 (MANE Select); coding-DNA position 899, G replaced by A.
Protein change: p.Arg300His; replaces arginine 300 with histidine.
Molecular consequence: missense variant.
Genome position (GRCh38, 1-based): chr17:44,911,679, C>T on the plus strand (G>A on the coding strand, the complement: GFAP is on the minus strand). VCF-style: chr17-44911679-C-T. GRCh37 (hg19) VCF-style: chr17-42989047-C-T.
Other names: c.899G>A, p.Arg300His (NM_001131019.3, NM_001242376.3, NM_001363846.2); short protein forms R300H.
Identifiers: ClinVar variation 4527586 (VCV004527586.1).

ClinVar aggregate classification (germline): Uncertain significance (1 of 4 stars; one submission).

gnomAD v4.1: 1 of 1,612,934 alleles (0.000062%); highest among the groups gnomAD compares: African/African-American, 0.0013%; no homozygotes.

Submission:

GeneDx
Classification: Uncertain significance. Last evaluated: 2025-04-25. Review status: criteria provided, single submitter. Criteria: GeneDx Variant Classification Process June 2021. Collection method: clinical testing. Allele origin: germline. Affected: yes.
Comment: In silico analysis supports that this missense variant has a deleterious effect on protein structure/function; Has not been previously published as pathogenic or benign to our knowledge